The following is an entry in ClinVar:

ClinVar aggregate classification (germline): Conflicting classifications of pathogenicity. Review status: criteria provided, conflicting classifications (1 of 4 stars). 4 submissions from 4 submitters: Uncertain significance (1); Likely benign (3). Last evaluated 2026-02-07.

Conditions:
TTN-related disorder. Also called: TTN-related condition; TTN-related disease; TTN-related disorders.
Cardiovascular phenotype. Identifiers: MedGen CN230736.
Dilated cardiomyopathy 1G (CMD1G). Identifiers: Orphanet 154, MedGen C1858763, MONDO:0011400, OMIM 604145.
Autosomal recessive limb-girdle muscular dystrophy type 2J (LGMDR10). Also called: Limb-girdle muscular dystrophy, type 2J; MUSCULAR DYSTROPHY, LIMB-GIRDLE, AUTOSOMAL RECESSIVE 10. Identifiers: Orphanet 140922, MedGen C1837342, MONDO:0012127, OMIM 608807.

Allele frequency attached by ClinVar (database versions not stated): gnomAD exomes below 0.00001; ExAC 0.00001; gnomAD 0.00001; TOPMed 0.00001; ESP Exome Variant Server 0.00008.
gnomAD v4.1: 6 of 1,613,606 alleles (0.00037%); highest among the groups gnomAD compares: Non-Finnish European, 0.00042%; no homozygotes.

Submissions (4):

Ambry Genetics
Classification: Likely benign for Cardiovascular phenotype. Last evaluated: 2026-02-07. Review status: criteria provided, single submitter. Criteria: Ambry Variant Classification Scheme 2023. Collection method: clinical testing. Allele origin: germline.

PreventionGenetics, part of Exact Sciences
Classification: Likely benign for TTN-related condition. Last evaluated: 2025-09-03. Review status: criteria provided, single submitter. Criteria: ACMG Guidelines, 2015. Collection method: clinical testing. Allele origin: germline.
Comment: This variant is classified as likely benign based on ACMG/AMP sequence variant interpretation guidelines (Richards et al. 2015 PMID: 25741868, with internal and published modifications).

Labcorp Genetics (formerly Invitae), Labcorp
Classification: Likely benign for Dilated cardiomyopathy 1G; Autosomal recessive limb-girdle muscular dystrophy type 2J. Last evaluated: 2025-02-17. Review status: criteria provided, single submitter. Criteria: Invitae Variant Classification Sherloc (09022015). Collection method: clinical testing. Allele origin: germline.

Eurofins Ntd Llc (ga)
Classification: Uncertain significance. Last evaluated: 2018-07-31. Review status: criteria provided, single submitter. Criteria: EGL ClinVar v180209 classification definitions. Collection method: clinical testing. Allele origin: germline. Observed: 1 variant allele, 1 heterozygote.

NM_001267550.2(TTN):c.87183C>T (p.Asn29061=)

Genes: TTN (titin; minus strand), TTN-AS1 (TTN antisense RNA 1; plus strand). Cytogenetic location: 2q31.2.
Variant type: single nucleotide variant.
Coding change: c.87183C>T on transcript NM_001267550.2 (MANE Select); coding-DNA position 87183, C replaced by T.
Protein change: p.Asn29061=; no amino-acid change (asparagine 29061 retained).
Molecular consequence: synonymous variant.
Genome position (GRCh38, 1-based): chr2:178,558,171, G>A on the plus strand (C>T on the coding strand, the complement: TTN is on the minus strand). VCF-style: chr2-178558171-G-A. GRCh37 (hg19) VCF-style: chr2-179422898-G-A.
Other names: c.82260C>T, p.Asn27420= (NM_001256850.1); c.59988C>T, p.Asn19996= (NM_003319.4); c.79479C>T, p.Asn26493= (NM_133378.4); c.60363C>T, p.Asn20121= (NM_133432.3); c.60564C>T, p.Asn20188= (NM_133437.4).
Identifiers: ClinVar variation 498006 (VCV000498006.11), dbSNP rs372776235, ClinGen allele CA1988351.
Genomic context (GRCh38, chr2:178,558,171, plus strand): 5'-ATCTCTTGATAAGGTCACTTTGGGAAGTGGTTTTCCAGAGATTGGAATGTCAACTTTAAG[G>A]TTTGAACCAGCTCTAACATATACAGTGTGACTTGGGAAATTCTTCATATCAATTTCAGGT-3'
Protein context (NP_001254479.2, residues 29051-29071): SHTVYVRAGS[Asn29061=]LKVDIPISGK